The following is an entry in ClinVar:

NM_001267550.2(TTN):c.66769+1G>A

Genes: TTN-AS1 (TTN antisense RNA 1; plus strand), TTN (titin; minus strand). Cytogenetic location: 2q31.2.
Variant type: single nucleotide variant.
Coding change: c.66769+1G>A on transcript NM_001267550.2 (MANE Select); the canonical splice donor site of the intron after coding-DNA position 66769, G replaced by A.
Molecular consequence: splice donor variant.
Genome position (GRCh38, 1-based): chr2:178,581,498, C>T on the plus strand (G>A on the coding strand, the complement: TTN is on the minus strand). VCF-style: chr2-178581498-C-T. GRCh37 (hg19) VCF-style: chr2-179446225-C-T.
Other names: c.39574+1G>A (NM_003319.4); c.40150+1G>A (NM_133437.4); c.39949+1G>A (NM_133432.3); c.59065+1G>A (NM_133378.4); c.61846+1G>A (NM_001256850.1).
Identifiers: ClinVar variation 384411 (VCV000384411.2), dbSNP rs1057521946, ClinGen allele CA16603886.

ClinVar aggregate classification (germline): Likely pathogenic (1 of 4 stars; one submission).

Submission:

GeneDx
Classification: Likely pathogenic. Last evaluated: 2016-03-31. Review status: criteria provided, single submitter. Criteria: GeneDx Variant Classification (06012015). Collection method: clinical testing. Allele origin: germline. Affected: yes.
Comment: A likely pathogenic variant has been identified in the TTN gene. The c.59065+1 G>A variant has not been published as a pathogenic variant, nor has it been reported as a benign variant to our knowledge. It was not observed in approximately 6,500 individuals of European and African American ancestry in the NHLBI Exome Sequencing Project, indicating it is not a common benign variant in these populations. This variant is located in the A-band of the titin protein, where the majority of truncating variants associated with disease are located. The c.59065+1 G>A splice site variant gene destroys the canonical splice donor site in intron 265; however the adjacent exon 265 remains in-frame. Therefore, this variant is likely pathogenic; however, the possibility that it is benign cannot be excluded.